The following is an entry in ClinVar:

NM_001127198.5(TMC6):c.1842C>T (p.Pro614=)

Gene: TMC6 (transmembrane channel like 6; minus strand). Cytogenetic location: 17q25.3.
Variant type: single nucleotide variant.
Coding change: c.1842C>T on transcript NM_001127198.5 (MANE Select); coding-DNA position 1842, C replaced by T.
Protein change: p.Pro614=; no amino-acid change (proline 614 retained).
Molecular consequence: synonymous variant. On other transcripts: non-coding transcript variant (4).
Genome position (GRCh38, 1-based): chr17:78,119,016, G>A on the plus strand (C>T on the coding strand, the complement: TMC6 is on the minus strand). VCF-style: chr17-78119016-G-A. GRCh37 (hg19) VCF-style: chr17-76115097-G-A.
Other names: c.1842C>T, p.Pro614= (NM_001321185.1, NM_001374596.1, NM_001375353.1 and 2 more transcripts); c.1662C>T, p.Pro554= (NM_001374593.1, NM_001374594.1).
Identifiers: ClinVar variation 526250 (VCV000526250.35), dbSNP rs150820026, ClinGen allele CA8795536.

ClinVar aggregate classification (germline): Benign/Likely benign. Review status: criteria provided, multiple submitters, no conflicts (2 of 4 stars). 3 submissions from 3 submitters: Benign (1); Likely benign (2). Last evaluated 2026-02-01.

Conditions:
Epidermodysplasia verruciformis. Identifiers: Orphanet 302, MedGen C0014522, MONDO:0009176.

Allele frequency attached by ClinVar (database versions not stated): gnomAD exomes 0.00006 and 0.00015; ESP Exome Variant Server 0.00015; ExAC 0.00037; gnomAD 0.00055 and 0.00056; TOPMed 0.00055; 1000 Genomes Project 30x 0.00094; 1000 Genomes Project 0.00120.
gnomAD v4.1: 191 of 1,603,258 alleles (0.012%); highest among the groups gnomAD compares: African/African-American, 0.17%; 3 homozygotes.

Submissions (3):

Labcorp Genetics (formerly Invitae), Labcorp
Classification: Benign for Epidermodysplasia verruciformis. Last evaluated: 2026-02-01. Review status: criteria provided, single submitter. Criteria: Invitae Variant Classification Sherloc (09022015). Collection method: clinical testing. Allele origin: germline.

Blueprint Genetics
Classification: Likely benign. Last evaluated: 2024-03-05. Review status: criteria provided, single submitter. Criteria: ACMG Guidelines, 2015. Collection method: clinical testing. Allele origin: germline.

CeGaT Center for Human Genetics Tuebingen
Classification: Likely benign. Last evaluated: 2023-04-01. Review status: criteria provided, single submitter. Criteria: CeGaT Center For Human Genetics Tuebingen Variant Classification Criteria Version 2. Collection method: clinical testing. Allele origin: germline. Affected: yes. Observed: 1 variant allele.
Comment: TMC6: BP4, BP7